The following is an entry in ClinVar:

NM_000719.7(CACNA1C):c.640C>T (p.Gln214Ter)

Gene: CACNA1C (calcium voltage-gated channel subunit alpha1 C; plus strand). Cytogenetic location: 12p13.33.
Variant type: single nucleotide variant.
Coding change: c.640C>T on transcript NM_000719.7 (MANE Select); coding-DNA position 640, C replaced by T.
Protein change: p.Gln214Ter; replaces glutamine 214 with a stop codon.
Molecular consequence: nonsense.
Genome position (GRCh38, 1-based): chr12:2,457,589, C>T. VCF-style: chr12-2457589-C-T. GRCh37 (hg19) VCF-style: chr12-2566755-C-T.
Other names: c.640C>T, p.Gln214Ter (NM_001129827.2, NM_001129829.2, NM_001129830.3 and 19 more transcripts); short protein forms Q214*.
Identifiers: ClinVar variation 4999573 (VCV004999573.1).

ClinVar aggregate classification (germline): Uncertain significance (1 of 4 stars; one submission).

Conditions:
CACNA1C-related disorder. Also called: CACNA1C-related condition; CACNA1C-related disorders. Identifiers: MedGen CN381092, MONDO:0700321.

Submission:

PreventionGenetics, part of Exact Sciences
Classification: Uncertain significance for CACNA1C-related condition. Last evaluated: 2025-08-12. Review status: criteria provided, single submitter. Criteria: ACMG Guidelines, 2015. Collection method: clinical testing. Allele origin: germline.
Comment: The CACNA1C c.640C>T variant is predicted to result in premature protein termination (p.Gln214*). To our knowledge, this variant has not been reported in the literature or in a large population database (gnomAD), indicating this variant is rare. Although we suspect that this variant may be pathogenic, at this time, the clinical significance of this variant is uncertain due to the absence of conclusive functional and genetic evidence.